The following is an entry in ClinVar:

NM_052947.4(ALPK2):c.4860C>A (p.Asp1620Glu)

Genes: ALPK2 (alpha kinase 2; minus strand), LOC130062578 (ATAC-STARR-seq lymphoblastoid active region 13390; plus strand). Cytogenetic location: 18q21.31.
Variant type: single nucleotide variant.
Coding change: c.4860C>A on transcript NM_052947.4 (MANE Select); coding-DNA position 4860, C replaced by A.
Protein change: p.Asp1620Glu; replaces aspartic acid 1620 with glutamic acid.
Molecular consequence: missense variant.
Genome position (GRCh38, 1-based): chr18:58,535,327, G>T on the plus strand (C>A on the coding strand, the complement: ALPK2 is on the minus strand). VCF-style: chr18-58535327-G-T. GRCh37 (hg19) VCF-style: chr18-56202559-G-T.
Other names: short protein forms D1620E.
Identifiers: ClinVar variation 3228774 (VCV003228774.1), dbSNP rs2518873926, ClinGen allele CA402559498.
Genomic context (GRCh38, chr18:58,535,327, plus strand): 5'-GGTTTCCCCAATTTGAAGCACCTCTATTTTAGGTTCCTCCATTTTGTGGCTTATCAAAAA[G>T]TCTGTGACATTTCCTTCAGGAGATGAAGTACAAGGGAACCTGGTAAGATCAGGAGAAGAG-3'
Protein context (NP_443179.3, residues 1610-1630): CTSSPEGNVT[Asp1620Glu]FLISHKMEEP

ClinVar aggregate classification (germline): Uncertain significance (1 of 4 stars; one submission).

Submission:

Ambry Genetics
Classification: Uncertain significance. Last evaluated: 2024-01-03. Review status: criteria provided, single submitter. Criteria: Ambry Variant Classification Scheme 2023. Collection method: clinical testing. Allele origin: germline.
Comment: The p.D1620E variant (also known as c.4860C>A), located in coding exon 4 of the ALPK2 gene, results from a C to A substitution at nucleotide position 4860. The aspartic acid at codon 1620 is replaced by glutamic acid, an amino acid with highly similar properties. This amino acid position is conserved. In addition, this alteration is predicted to be tolerated by in silico analysis. Since supporting evidence is limited at this time, the clinical significance of this alteration remains unclear.